The following is an entry in ClinVar:

ClinVar aggregate classification (germline): Uncertain significance (1 of 4 stars; one submission).

Submission:

Labcorp Genetics (formerly Invitae), Labcorp
Classification: Uncertain significance. Last evaluated: 2025-07-30. Review status: criteria provided, single submitter. Criteria: Invitae Variant Classification Sherloc (09022015). Collection method: clinical testing. Allele origin: germline.
Comment: This sequence change replaces lysine, which is basic and polar, with arginine, which is basic and polar, at codon 368 of the MBD4 protein (p.Lys368Arg). This variant is not present in population databases (gnomAD no frequency). This variant has not been reported in the literature in individuals affected with MBD4-related conditions. An algorithm developed to predict the effect of missense changes on protein structure and function (PolyPhen-2) suggests that this variant is likely to be disruptive. In summary, the available evidence is currently insufficient to determine the role of this variant in disease. Therefore, it has been classified as a Variant of Uncertain Significance.

NM_001276270.2(MBD4):c.1103A>G (p.Lys368Arg)

Gene: MBD4 (methyl-CpG binding domain 4, DNA glycosylase; minus strand). Cytogenetic location: 3q21.3.
Variant type: single nucleotide variant.
Coding change: c.1103A>G on transcript NM_001276270.2 (MANE Select); coding-DNA position 1103, A replaced by G.
Protein change: p.Lys368Arg; replaces lysine 368 with arginine.
Molecular consequence: missense variant. On other transcripts: intron variant (1).
Genome position (GRCh38, 1-based): chr3:129,436,541, T>C on the plus strand (A>G on the coding strand, the complement: MBD4 is on the minus strand). VCF-style: chr3-129436541-T-C. GRCh37 (hg19) VCF-style: chr3-129155384-T-C.
Other names: c.1103A>G, p.Lys368Arg (NM_001276271.2, NM_001276272.2, NM_003925.3); c.247+1267A>G (NM_001276273.2); short protein forms K368R.
Identifiers: ClinVar variation 4771715 (VCV004771715.1).
Genomic context (GRCh38, chr3:129,436,541, plus strand): 5'-GGTGAGCAGTTGTTGTCCATTTCAGAGCCACGTTTTAAAATGTCAGTATGCAAATGTTCT[T>C]TCCTTTCCACAACTTCTACTTTTGTTCCGATTTCTTCAGATTCTAAAAAGGTATCCTCAT-3'
Protein context (NP_001263199.1, residues 358-378): IGTKVEVVER[Lys368Arg]EHLHTDILKR